The following is an entry in ClinVar:

ClinVar aggregate classification (germline): Conflicting classifications of pathogenicity. Review status: criteria provided, conflicting classifications (1 of 4 stars). 3 submissions from 3 submitters: Uncertain significance (1); Likely benign (2). Last evaluated 2025-01-27.

Allele frequency attached by ClinVar (database versions not stated): gnomAD exomes 0.00001 and 0.00003; TOPMed 0.00001; ExAC 0.00005; gnomAD 0.00001.
gnomAD v4.1: 22 of 1,613,870 alleles (0.0014%); highest among the groups gnomAD compares: Middle Eastern, 0.016%; no homozygotes.

Submissions (3):

Labcorp Genetics (formerly Invitae), Labcorp
Classification: Likely benign. Last evaluated: 2025-01-27. Review status: criteria provided, single submitter. Criteria: Invitae Variant Classification Sherloc (09022015). Collection method: clinical testing. Allele origin: germline.

Centre of Medical Genetics, University Hospital Muenster
Classification: Uncertain significance. Last evaluated: 2023-04-11. Review status: criteria provided, single submitter. Criteria: ACMG Guidelines, 2015. Collection method: clinical testing. Allele origin: unknown. Affected: yes. Observed: 1 variant allele, 1 heterozygote.
Comment: ACMG categories: PM2

CeGaT Center for Human Genetics Tuebingen
Classification: Likely benign. Last evaluated: 2022-03-01. Review status: criteria provided, single submitter. Criteria: CeGaT Center For Human Genetics Tuebingen Variant Classification Criteria Version 2. Collection method: clinical testing. Allele origin: germline. Affected: yes. Observed: 1 variant allele.
Comment: SETBP1: BP4

NM_015559.3(SETBP1):c.3427T>C (p.Ser1143Pro)

Gene: SETBP1 (SET binding protein 1; plus strand). Cytogenetic location: 18q12.3.
Variant type: single nucleotide variant.
Coding change: c.3427T>C on transcript NM_015559.3 (MANE Select); coding-DNA position 3427, T replaced by C.
Protein change: p.Ser1143Pro; replaces serine 1143 with proline.
Molecular consequence: missense variant.
Genome position (GRCh38, 1-based): chr18:44,952,767, T>C. VCF-style: chr18-44952767-T-C. GRCh37 (hg19) VCF-style: chr18-42532732-T-C.
Other names: c.3427T>C, p.Ser1143Pro (NM_001379141.1, NM_001379142.1); short protein forms S1143P.
Identifiers: ClinVar variation 1445174 (VCV001445174.31), dbSNP rs762890510, ClinGen allele CA8945904.
Genomic context (GRCh38, chr18:44,952,767, plus strand): 5'-ATGGGCCTTGGTGACATGCAGCCTTCTCTGAACCCTCCCAAGGTAGGCAGTGCCAGTCTG[T>C]CCAGTGGTCGGCTCCATAAGAGGAAACACAAACACAAGCATAAGCACAAGGAAGACCGGA-3'
Protein context (NP_056374.2, residues 1133-1153): NPPKVGSASL[Ser1143Pro]SGRLHKRKHK